The following is an entry in ClinVar:

NM_000286.3(PEX12):c.116del (p.His39fs)

Gene: PEX12 (peroxisomal biogenesis factor 12; minus strand). Cytogenetic location: 17q12.
Variant type: Deletion.
Coding change: c.116del on transcript NM_000286.3 (MANE Select); coding-DNA position 116, one base deleted (A; older notation c.116delA).
Protein change: p.His39fs; shifts the reading frame from histidine 39.
Molecular consequence: frameshift variant.
Genome position (GRCh38, 1-based): chr17:35,577,906, T deleted on the plus strand (A on the coding strand, the reverse complement: PEX12 is on the minus strand). VCF-style (leftmost placement, unchanged base first): chr17-35577905-AT-A. GRCh37 (hg19) VCF-style: chr17-33904924-AT-A.
Other names: short protein forms H39fs.
Identifiers: ClinVar variation 1438584 (VCV001438584.6), dbSNP rs2142231614, ClinGen allele CA2573153717.

ClinVar aggregate classification (germline): Pathogenic (1 of 4 stars; one submission).

Conditions:
Peroxisome biogenesis disorder 3A (Zellweger). Also called: PEROXISOMAL BIOGENESIS DISORDER 3A (ZELLWEGER); Peroxisome biogenesis disorder 3A. Identifiers: Orphanet 912, MedGen C3553929, MONDO:0013927, OMIM 614859.

Submission:

Labcorp Genetics (formerly Invitae), Labcorp
Classification: Pathogenic for Peroxisome biogenesis disorder 3A (Zellweger). Last evaluated: 2021-11-05. Review status: criteria provided, single submitter. Criteria: Invitae Variant Classification Sherloc (09022015). Collection method: clinical testing. Allele origin: germline.
Comment: This variant is not present in population databases (gnomAD no frequency). This sequence change creates a premature translational stop signal (p.His39Leufs*28) in the PEX12 gene. It is expected to result in an absent or disrupted protein product. Loss-of-function variants in PEX12 are known to be pathogenic (PMID: 9090384, 9632816, 21031596). This variant has not been reported in the literature in individuals affected with PEX12-related conditions. For these reasons, this variant has been classified as Pathogenic.

Literature cited by the submitters: PubMed 9090384; PubMed 9632816; PubMed 21031596.